The following is an entry in ClinVar:

ClinVar aggregate classification (germline): Uncertain significance (1 of 4 stars; one submission).

Conditions:
Oto-palato-digital syndrome, type II (OPD2). Also called: FACIOPALATOOSSEOUS SYNDROME; OPD II SYNDROME; Otopalatodigital Syndrome, Type II; Otopalatodigital Syndrome Type 2 (FLNA-OPD2). Identifiers: Orphanet 669, Orphanet 90652, MedGen C1844696, MONDO:0010571, OMIM 304120.
Heterotopia, periventricular, X-linked dominant (PVNH1). Also called: PERIVENTRICULAR NODULAR HETEROTOPIA 4; HETEROTOPIA, PERIVENTRICULAR, 1; PERIVENTRICULAR NODULAR HETEROTOPIA 1; X-linked periventricular heterotopia. Identifiers: Orphanet 2149, Orphanet 82004, MedGen C1848213, MONDO:0010233, OMIM 300049.
Melnick-Needles syndrome (MNS). Also called: MELNICK-NEEDLES OSTEODYSPLASTY; OSTEODYSPLASTY OF MELNICK AND NEEDLES; Melnick-Needles Syndrome (FLNA-MNS). Identifiers: Orphanet 2484, MedGen C0025237, MONDO:0010650, OMIM 309350.
Frontometaphyseal dysplasia (FMD1). Identifiers: Orphanet 1826, MedGen C0265293, MONDO:0015942.

Submission:

Labcorp Genetics (formerly Invitae), Labcorp
Classification: Uncertain significance for Oto-palato-digital syndrome, type II; Heterotopia, periventricular, X-linked dominant; Frontometaphyseal dysplasia; Melnick-Needles syndrome. Last evaluated: 2025-08-04. Review status: criteria provided, single submitter. Criteria: Invitae Variant Classification Sherloc (09022015). Collection method: clinical testing. Allele origin: germline.
Comment: This sequence change replaces threonine, which is neutral and polar, with isoleucine, which is neutral and non-polar, at codon 385 of the FLNA protein (p.Thr385Ile). This variant is not present in population databases (gnomAD no frequency). This variant has not been reported in the literature in individuals affected with FLNA-related conditions. ClinVar contains an entry for this variant (Variation ID: 1497025). Invitae Evidence Modeling of protein sequence and biophysical properties (such as structural, functional, and spatial information, amino acid conservation, physicochemical variation, residue mobility, and thermodynamic stability) indicates that this missense variant is not expected to disrupt FLNA protein function with a negative predictive value of 95%. In summary, the available evidence is currently insufficient to determine the role of this variant in disease. Therefore, it has been classified as a Variant of Uncertain Significance.

NM_001110556.2(FLNA):c.1154C>T (p.Thr385Ile)

Gene: FLNA (filamin A; minus strand). Cytogenetic location: Xq28.
Variant type: single nucleotide variant.
Coding change: c.1154C>T on transcript NM_001110556.2 (MANE Select); coding-DNA position 1154, C replaced by T.
Protein change: p.Thr385Ile; replaces threonine 385 with isoleucine.
Molecular consequence: missense variant.
Genome position (GRCh38, 1-based): chrX:154,366,382, G>A on the plus strand (C>T on the coding strand, the complement: FLNA is on the minus strand). VCF-style: chrX-154366382-G-A. GRCh37 (hg19) VCF-style: chrX-153594750-G-A.
Other names: c.1154C>T, p.Thr385Ile (NM_001456.4); short protein forms T385I.
Identifiers: ClinVar variation 1497025 (VCV001497025.7), dbSNP rs2148118000, ClinGen allele CA415244445.